The following is an entry in ClinVar:

ClinVar aggregate classification (germline): Likely benign. Review status: criteria provided, single submitter (1 of 4 stars). 2 submissions from 2 submitters: Likely benign (1). 1 of the submissions does not count toward it. Last evaluated 2023-11-07.

Conditions:
PCNT-related disorder. Also called: PCNT-related condition.

Allele frequency attached by ClinVar (database versions not stated): ExAC 0.00002; gnomAD 0.00002; TOPMed 0.00003; ESP Exome Variant Server 0.00008.

Submissions (2):

Labcorp Genetics (formerly Invitae), Labcorp
Classification: Likely benign. Last evaluated: 2023-11-07. Review status: criteria provided, single submitter. Criteria: Invitae Variant Classification Sherloc (09022015). Collection method: clinical testing. Allele origin: germline.

PreventionGenetics, part of Exact Sciences
Classification: Likely benign for PCNT-related condition. Last evaluated: 2021-10-13. Review status: no assertion criteria provided. Collection method: clinical testing. Allele origin: germline. Not counted in ClinVar's aggregate classification.
Comment: This variant is classified as likely benign based on ACMG/AMP sequence variant interpretation guidelines (Richards et al. 2015 PMID: 25741868, with internal and published modifications).

NM_006031.6(PCNT):c.1375C>T (p.Leu459=)

Gene: PCNT (pericentrin; plus strand). Cytogenetic location: 21q22.3.
Variant type: single nucleotide variant.
Coding change: c.1375C>T on transcript NM_006031.6 (MANE Select); coding-DNA position 1375, C replaced by T.
Protein change: p.Leu459=; no amino-acid change (leucine 459 retained).
Molecular consequence: synonymous variant.
Genome position (GRCh38, 1-based): chr21:46,351,459, C>T. VCF-style: chr21-46351459-C-T. GRCh37 (hg19) VCF-style: chr21-47771373-C-T.
Other names: c.1375C>T (NM_006031.5); c.1021C>T, p.Leu341= (NM_001315529.2).
Identifiers: ClinVar variation 3017659 (VCV003017659.4), dbSNP rs376542918, ClinGen allele CA10078600.